The following is an entry in ClinVar:

ClinVar aggregate classification (germline): Uncertain significance (1 of 4 stars; one submission).

Conditions:
Hereditary cancer-predisposing syndrome. Also called: Neoplastic Syndromes, Hereditary; Tumor predisposition; Hereditary neoplastic syndrome; Hereditary Cancer Syndrome. Identifiers: Orphanet 140162, MedGen C0027672, MeSH D009386, MONDO:0015356.

Submission:

Ambry Genetics
Classification: Uncertain significance for Hereditary cancer-predisposing syndrome. Last evaluated: 2026-07-06. Review status: criteria provided, single submitter. Criteria: Ambry Variant Classification Scheme 2023. Collection method: clinical testing. Allele origin: germline.
Comment: The p.S132R variant (also known as c.394A>C), located in coding exon 3 of the SMARCA4 gene, results from an A to C substitution at nucleotide position 394. The serine at codon 132 is replaced by arginine, an amino acid with dissimilar properties. This amino acid position is conserved. In addition, the in silico prediction for this alteration is inconclusive. Based on the available evidence, the clinical significance of this variant remains unclear.

NM_003072.5(SMARCA4):c.394A>C (p.Ser132Arg)

Gene: SMARCA4 (SWI/SNF related BAF chromatin remodeling complex subunit ATPase 4; plus strand). Cytogenetic location: 19p13.2.
Variant type: single nucleotide variant.
Coding change: c.394A>C on transcript NM_003072.5 (MANE Select); coding-DNA position 394, A replaced by C.
Protein change: p.Ser132Arg; replaces serine 132 with arginine.
Molecular consequence: missense variant. On other transcripts: non-coding transcript variant (1).
Genome position (GRCh38, 1-based): chr19:10,986,227, A>C. VCF-style: chr19-10986227-A-C. GRCh37 (hg19) VCF-style: chr19-11096903-A-C.
Other names: c.394A>C, p.Ser132Arg (NM_001128844.3, NM_001128845.2, NM_001128846.2 and 6 more transcripts); short protein forms S132R.
Identifiers: ClinVar variation 5029824 (VCV005029824.1).
Genomic context (GRCh38, chr19:10,986,227, plus strand): 5'-GTGGGCTGACCTTTCTCTGCAGGTTACCCCTCGCCCCTGGGTGGCTCTGAGCATGCCTCT[A>C]GTCCAGTTCCAGCCAGTGGCCCGTCTTCGGGGCCCCAGATGTCTTCCGGGCCAGGAGGTG-3'
Protein context (NP_003063.2, residues 122-142): SPLGGSEHAS[Ser132Arg]PVPASGPSSG